The following is an entry in ClinVar:

NM_007373.4(SHOC2):c.973-5del

Gene: SHOC2 (SHOC2 leucine rich repeat scaffold protein; plus strand). Cytogenetic location: 10q25.2.
Variant type: Deletion.
Coding change: c.973-5del on transcript NM_007373.4 (MANE Select); 5 bases into the intron before coding-DNA position 973, one base deleted (T; older notation c.973-5delT).
Molecular consequence: intron variant.
Genome position (GRCh38, 1-based): chr10:111,004,601, T deleted; the last of 8 consecutive T bases (chr10:111,004,594-111,004,601); deleting any one gives the same sequence. VCF-style (leftmost placement, unchanged base first): chr10-111004593-AT-A. GRCh37 (hg19) VCF-style: chr10-112764351-AT-A.
Other names: NC_000010.10:g.112764359del; c.973-5delT (NM_007373.3); c.973-5del (NM_001324336.2, NM_001324337.2); c.835-5del (NM_001269039.3).
Identifiers: ClinVar variation 181524 (VCV000181524.21), dbSNP rs730881016, ClinGen allele CA297164.
Genomic context (GRCh38, chr10:111,004,593, plus strand): 5'-TGGGACTGCTGTTCTATAAAAAATGAGTCTCATCACAGTTCTAATTCTTATGTTTATTTC[AT>A]TTTTTTTACAGAGTCTTTTATCAAGTCTTGTGAAACTGAATAGTTTGACCTTAGCTAGAA-3'

ClinVar aggregate classification (germline): Benign/Likely benign. Review status: criteria provided, multiple submitters, no conflicts (2 of 4 stars). 7 submissions from 7 submitters: Benign (5); Likely benign (2). Last evaluated 2026-02-03.

Conditions:
Noonan syndrome and Noonan-related syndrome. Identifiers: Orphanet 98733, MedGen C5681679, MONDO:0020297.
Cardiovascular phenotype. Identifiers: MedGen CN230736.
RASopathy. Also called: rasopathies; Noonan spectrum disorder. Identifiers: Orphanet 536391, MedGen C5555857, MONDO:0021060.

Submissions (11):

Labcorp Genetics (formerly Invitae), Labcorp
Classification: Benign for RASopathy. Last evaluated: 2026-02-03. Review status: criteria provided, single submitter. Criteria: Invitae Variant Classification Sherloc (09022015). Collection method: clinical testing. Allele origin: germline.

Blueprint Genetics
Classification: Likely benign. Last evaluated: 2024-11-27. Review status: criteria provided, single submitter. Criteria: ACMG Guidelines, 2015. Collection method: clinical testing. Allele origin: germline.

Genome Diagnostics Laboratory, The Hospital for Sick Children
Classification: Benign for Noonan syndrome and Noonan-related syndrome. Last evaluated: 2021-05-21. Review status: criteria provided, single submitter. Criteria: ACMG Guidelines, 2015. Collection method: clinical testing. Allele origin: germline.

Ambry Genetics
Classification: Benign for Cardiovascular phenotype. Last evaluated: 2021-01-13. Review status: criteria provided, single submitter. Criteria: Ambry Variant Classification Scheme 2023. Collection method: clinical testing. Allele origin: germline.

Women's Health and Genetics/Laboratory Corporation of America, LabCorp
Classification: Benign. Last evaluated: 2019-09-09. Review status: criteria provided, single submitter. Criteria: LabCorp Variant Classification Summary - May 2015. Collection method: clinical testing. Allele origin: germline.
Comment: Variant summary: SHOC2 c.973-5delT alters a non-conserved nucleotide located close to a canonical splice site and therefore could affect mRNA splicing, leading to a significantly altered protein sequence. 5/5 computational tools predict no significant impact on normal splicing. However, these predictions have yet to be confirmed by functional studies. The variant allele was found at a frequency of 0.011 in 249088 control chromosomes, predominantly at a frequency of 0.089 within the South Asian subpopulation in the gnomAD database, including 156 homozygotes. The observed variant frequency within South Asian control individuals in the gnomAD database is approximately 3560-folds over the estimated maximal expected allele frequency for a pathogenic variant in SHOC2 causing Noonan Syndrome and Related Conditions phenotype (2.5e-05), strongly suggesting that the variant is a benign polymorphism found primarily in populations of South Asian origin. To our knowledge, no occurrence of c.973-5delT in individuals affected with Noonan Syndrome and Related Conditions and no experimental evidence demonstrating its impact on protein function have been reported. A ClinVar submission (evaluation after 2014) cites the variant as benign. Based on the evidence outlined above, the variant was classified as benign.

GeneDx
Classification: Benign for Rasopathy. Last evaluated: 2014-09-23. Review status: criteria provided, single submitter. Criteria: GeneDx Variant Classification (06012015). Collection method: clinical testing. Allele origin: germline. Affected: yes.
Comment: The variant is found in NOONAN panel(s).

PreventionGenetics, part of Exact Sciences
Classification: Likely benign. Review status: criteria provided, single submitter. Criteria: ACMG Guidelines, 2015. Collection method: clinical testing. Allele origin: germline.

Dr. Peter K. Rogan Lab, Western University
No classification provided (evidence only). Condition: Gastric cancer. Review status: no classification provided. Collection method: in vitro. Allele origin: not applicable. Functional consequence: retained intron. Not counted in ClinVar's aggregate classification.

Dr. Peter K. Rogan Lab, Western University
No classification provided (evidence only). Condition: Gastric cancer. Review status: no classification provided. Collection method: in vitro. Allele origin: not applicable. Functional consequence: retained intron. Not counted in ClinVar's aggregate classification.

Dr. Peter K. Rogan Lab, Western University
No classification provided (evidence only). Condition: Gastric cancer. Review status: no classification provided. Collection method: in vitro. Allele origin: not applicable. Functional consequence: retained intron. Not counted in ClinVar's aggregate classification.

Dr. Peter K. Rogan Lab, Western University
No classification provided (evidence only). Condition: Gastric cancer. Review status: no classification provided. Collection method: in vitro. Allele origin: not applicable. Functional consequence: retained intron. Not counted in ClinVar's aggregate classification.